The following is an entry in ClinVar:

ClinVar aggregate classification (germline): Uncertain significance (1 of 4 stars; one submission).

Conditions:
F10-related disorder. Also called: F10-related condition.

gnomAD v4.1: 17 of 1,614,200 alleles (0.0011%); highest among the groups gnomAD compares: Non-Finnish European, 0.0014%; no homozygotes.

Submission:

PreventionGenetics, part of Exact Sciences
Classification: Uncertain significance for F10-related condition. Last evaluated: 2025-11-20. Review status: criteria provided, single submitter. Criteria: ACMG Guidelines, 2015. Collection method: clinical testing. Allele origin: germline.
Comment: The F10 c.166G>A variant is predicted to result in the amino acid substitution p.Glu56Lys. This variant is alternatively referred to as p.Glu16Lys using legacy nomenclature. This variant has been reported in the compound heterozygous state in a pair of siblings with factor X deficiency (Ingerslev et al. 2007. PubMed ID: 17498086). This variant is reported in 0.0018% of alleles in individuals of European (Non-Finnish) descent in gnomAD. Although we suspect that this variant may be pathogenic, at this time, the clinical significance of this variant is uncertain due to the absence of conclusive functional and genetic evidence.

NM_000504.4(F10):c.166G>A (p.Glu56Lys)

Genes: F10 (coagulation factor X; plus strand), F10-AS1 (F10 antisense RNA 1; minus strand). Cytogenetic location: 13q34.
Variant type: single nucleotide variant.
Coding change: c.166G>A on transcript NM_000504.4 (MANE Select); coding-DNA position 166, G replaced by A.
Protein change: p.Glu56Lys; replaces glutamic acid 56 with lysine.
Molecular consequence: missense variant.
Genome position (GRCh38, 1-based): chr13:113,129,547, G>A. VCF-style: chr13-113129547-G-A. GRCh37 (hg19) VCF-style: chr13-113783861-G-A.
Other names: c.166G>A, p.Glu56Lys (NM_001312674.2, NM_001312675.2); short protein forms E56K.
Identifiers: ClinVar variation 4982819 (VCV004982819.1).